The following is an entry in ClinVar:

ClinVar aggregate classification (germline): Uncertain significance (1 of 4 stars; one submission).

Conditions:
Hereditary cancer-predisposing syndrome. Also called: Hereditary neoplastic syndrome; Hereditary Cancer Syndrome; Neoplastic Syndromes, Hereditary; Tumor predisposition. Identifiers: Orphanet 140162, MedGen C0027672, MeSH D009386, MONDO:0015356.

Submission:

Ambry Genetics
Classification: Uncertain significance for Hereditary cancer-predisposing syndrome. Last evaluated: 2023-04-01. Review status: criteria provided, single submitter. Criteria: Ambry Variant Classification Scheme 2023. Collection method: clinical testing. Allele origin: germline.
Comment: The p.E1010V variant (also known as c.3029A>T), located in coding exon 10 of the PALB2 gene, results from an A to T substitution at nucleotide position 3029. The glutamic acid at codon 1010 is replaced by valine, an amino acid with dissimilar properties. This amino acid position is conserved. In addition, this alteration is predicted to be tolerated by in silico analysis. Since supporting evidence is limited at this time, the clinical significance of this alteration remains unclear.

NM_024675.4(PALB2):c.3029A>T (p.Glu1010Val)

Gene: PALB2 (partner and localizer of BRCA2; minus strand). Cytogenetic location: 16p12.2.
Variant type: single nucleotide variant.
Coding change: c.3029A>T on transcript NM_024675.4 (MANE Select); coding-DNA position 3029, A replaced by T.
Protein change: p.Glu1010Val; replaces glutamic acid 1010 with valine.
Molecular consequence: missense variant. On other transcripts: intron variant (1).
Genome position (GRCh38, 1-based): chr16:23,621,446, T>A on the plus strand (A>T on the coding strand, the complement: PALB2 is on the minus strand). VCF-style: chr16-23621446-T-A. GRCh37 (hg19) VCF-style: chr16-23632767-T-A.
Other names: c.2969A>T, p.Glu990Val (NM_001407296.1); c.2957A>T, p.Glu986Val (NM_001407297.1); c.2867A>T, p.Glu956Val (NM_001407298.1, NM_001407302.1); c.3029A>T, p.Glu1010Val (NM_001407299.1, NM_001407301.1); c.2144A>T, p.Glu715Val (NM_001407304.1, NM_001407305.1, NM_001407306.1 and 4 more transcripts); c.1982A>T, p.Glu661Val (NM_001407307.1); c.1241A>T, p.Glu414Val (NM_001407312.1, NM_001407313.1); c.563A>T, p.Glu188Val (NM_001407314.1); and 1 more; short protein forms E661V, E956V, E990V, E414V, E1010V, E188V, E715V, E986V.
Identifiers: ClinVar variation 2567563 (VCV002567563.2), dbSNP rs1228569190, ClinGen allele CA395143096.